The following is an entry in ClinVar:

NM_012293.3(PXDN):c.3190G>A (p.Ala1064Thr)

Gene: PXDN (peroxidasin; minus strand). Cytogenetic location: 2p25.3.
Variant type: single nucleotide variant.
Coding change: c.3190G>A on transcript NM_012293.3 (MANE Select); coding-DNA position 3190, G replaced by A.
Protein change: p.Ala1064Thr; replaces alanine 1064 with threonine.
Molecular consequence: missense variant.
Genome position (GRCh38, 1-based): chr2:1,648,590, C>T on the plus strand (G>A on the coding strand, the complement: PXDN is on the minus strand). VCF-style: chr2-1648590-C-T. GRCh37 (hg19) VCF-style: chr2-1652362-C-T.
Other names: short protein forms A1064T.
Identifiers: ClinVar variation 217340 (VCV000217340.23), dbSNP rs202132697, ClinGen allele CA250002.

ClinVar aggregate classification (germline): Benign/Likely benign. Review status: criteria provided, multiple submitters, no conflicts (2 of 4 stars). 6 submissions from 6 submitters: Benign (2); Likely benign (2). 2 of the submissions do not count toward it. Last evaluated 2026-03-01.

Conditions:
PXDN-related disorder. Also called: PXDN-related condition.
Anterior segment dysgenesis 7 (ASGD7). Also called: Anterior segment dysgenesis 7, with sclerocornea; SCLEROCORNEA WITH OTHER OCULAR ANOMALIES. Identifiers: Orphanet 289499, MedGen C3151617, MONDO:0010015, OMIM 269400.
Developmental cataract. Also called: Congenital cataract; Congenital cataracts; Bilateral cataracts. Identifiers: MedGen C0009691, HP:0000519.

Allele frequency attached by ClinVar (database versions not stated): 1000 Genomes Project 0.00100; 1000 Genomes Project 30x 0.00125; TOPMed 0.00146; gnomAD 0.00162 and 0.00168; gnomAD exomes 0.00183; ExAC 0.00197; ESP Exome Variant Server 0.00239.
gnomAD v4.1: 3,852 of 1,609,374 alleles (0.24%); highest among the groups gnomAD compares: Non-Finnish European, 0.27%; 7 homozygotes.

Submissions (6):

CeGaT Center for Human Genetics Tuebingen
Classification: Likely benign. Last evaluated: 2026-03-01. Review status: criteria provided, single submitter. Criteria: CeGaT Center For Human Genetics Tuebingen Variant Classification Criteria Version 2. Collection method: clinical testing. Allele origin: germline. Affected: yes. Observed: 2 variant alleles.
Comment: PXDN: BP4, BS2

Labcorp Genetics (formerly Invitae), Labcorp
Classification: Benign for Anterior segment dysgenesis 7. Last evaluated: 2025-11-24. Review status: criteria provided, single submitter. Criteria: Invitae Variant Classification Sherloc (09022015). Collection method: clinical testing. Allele origin: germline.

Blueprint Genetics
Classification: Likely benign. Last evaluated: 2024-11-21. Review status: criteria provided, single submitter. Criteria: ACMG Guidelines, 2015. Collection method: clinical testing. Allele origin: germline.

GeneDx
Classification: Benign. Last evaluated: 2021-01-18. Review status: criteria provided, single submitter. Criteria: GeneDx Variant Classification Process June 2021. Collection method: clinical testing. Allele origin: germline. Affected: yes.

PreventionGenetics, part of Exact Sciences
Classification: Likely benign for PXDN-related condition. Last evaluated: 2023-04-13. Review status: no assertion criteria provided. Collection method: clinical testing. Allele origin: germline. Not counted in ClinVar's aggregate classification.
Comment: This variant is classified as likely benign based on ACMG/AMP sequence variant interpretation guidelines (Richards et al. 2015 PMID: 25741868, with internal and published modifications).

Eye Genetics Research Group, Children's Medical Research Institute
Classification: Likely benign for Developmental cataract. Last evaluated: 2015-01-09. Review status: no assertion criteria provided. Collection method: research. Allele origin: unknown. Affected: yes. Not counted in ClinVar's aggregate classification.

Literature cited by the submitters: PubMed 26694549 (cited by Eye Genetics Research Group, Children's Medical Research Institute).